The following is an entry in ClinVar:

ClinVar aggregate classification (germline): Uncertain significance (1 of 4 stars; one submission).

Conditions:
Inborn genetic diseases. Identifiers: MedGen C0950123, MeSH D030342.

gnomAD v4.1: 5 of 1,481,540 alleles (0.00034%); highest among the groups gnomAD compares: Admixed American, 0.0046%; no homozygotes.

Submission:

Ambry Genetics
Classification: Uncertain significance for Inborn genetic diseases. Last evaluated: 2025-05-31. Review status: criteria provided, single submitter. Criteria: Ambry Variant Classification Scheme 2023. Collection method: clinical testing. Allele origin: germline.
Comment: The p.H158Y variant (also known as c.472C>T), located in coding exon 1 of the SH2B3 gene, results from a C to T substitution at nucleotide position 472. The histidine at codon 158 is replaced by tyrosine, an amino acid with similar properties. This amino acid position is conserved. In addition, this alteration is predicted to be tolerated by in silico analysis. Based on the available evidence, the clinical significance of this variant remains unclear.

NM_005475.3(SH2B3):c.472C>T (p.His158Tyr)

Gene: SH2B3 (SH2B adaptor protein 3; plus strand). Cytogenetic location: 12q24.12.
Variant type: single nucleotide variant.
Coding change: c.472C>T on transcript NM_005475.3 (MANE Select); coding-DNA position 472, C replaced by T.
Protein change: p.His158Tyr; replaces histidine 158 with tyrosine.
Molecular consequence: missense variant.
Genome position (GRCh38, 1-based): chr12:111,418,617, C>T. VCF-style: chr12-111418617-C-T. GRCh37 (hg19) VCF-style: chr12-111856421-C-T.
Other names: short protein forms H158Y.
Identifiers: ClinVar variation 3953539 (VCV003953539.1).